The following is an entry in ClinVar:

NM_001113378.2(FANCI):c.2728G>C (p.Glu910Gln)

Gene: FANCI (FA complementation group I; plus strand). Cytogenetic location: 15q26.1.
Variant type: single nucleotide variant.
Coding change: c.2728G>C on transcript NM_001113378.2 (MANE Select); coding-DNA position 2728, G replaced by C.
Protein change: p.Glu910Gln; replaces glutamic acid 910 with glutamine.
Molecular consequence: missense variant.
Genome position (GRCh38, 1-based): chr15:89,299,891, G>C. VCF-style: chr15-89299891-G-C. GRCh37 (hg19) VCF-style: chr15-89843122-G-C.
Other names: c.2449G>C, p.Glu817Gln (NM_001376910.1); c.2728G>C, p.Glu910Gln (NM_001376911.1); c.2548G>C, p.Glu850Gln (NM_018193.3); short protein forms E817Q, E850Q, E910Q.
Identifiers: ClinVar variation 1479726 (VCV001479726.6), dbSNP rs1261021714, ClinGen allele CA393736907.

ClinVar aggregate classification (germline): Uncertain significance. Review status: criteria provided, multiple submitters, no conflicts (2 of 4 stars). 2 submissions from 2 submitters: Uncertain significance (2). Last evaluated 2021-08-31.

Conditions:
Fanconi anemia (FA). Also called: Fanconi's anemia. Identifiers: Orphanet 84, MedGen C0015625, MeSH D005199, MONDO:0019391.

gnomAD v4.1: 5 of 1,614,122 alleles (0.00031%); highest among the groups gnomAD compares: Non-Finnish European, 0.00034%; no homozygotes.

Submissions (2):

Labcorp Genetics (formerly Invitae), Labcorp
Classification: Uncertain significance for Fanconi anemia. Last evaluated: 2021-08-31. Review status: criteria provided, single submitter. Criteria: Invitae Variant Classification Sherloc (09022015). Collection method: clinical testing. Allele origin: germline.
Comment: This sequence change replaces glutamic acid with glutamine at codon 910 of the FANCI protein (p.Glu910Gln). The glutamic acid residue is highly conserved and there is a small physicochemical difference between glutamic acid and glutamine. This variant is not present in population databases (ExAC no frequency). This variant has not been reported in the literature in individuals affected with FANCI-related conditions. Algorithms developed to predict the effect of missense changes on protein structure and function (SIFT, PolyPhen-2, Align-GVGD) all suggest that this variant is likely to be tolerated. In summary, the available evidence is currently insufficient to determine the role of this variant in disease. Therefore, it has been classified as a Variant of Uncertain Significance.

Blueprint Genetics
Classification: Uncertain significance. Last evaluated: 2020-11-17. Review status: criteria provided, single submitter. Criteria: ACMG Guidelines, 2015. Collection method: clinical testing. Allele origin: germline.